The following is an entry in ClinVar:

ClinVar aggregate classification (germline): Likely benign. Review status: criteria provided, single submitter (1 of 4 stars). 2 submissions from 2 submitters: Likely benign (1). 1 of the submissions does not count toward it. Last evaluated 2024-10-17.

Conditions:
CREBBP-related disorder. Also called: CREBBP-related disorders; CREBBP-related condition.
Rubinstein-Taybi syndrome (RSTS). Identifiers: Orphanet 783, MedGen C0035934, MONDO:0019188.

Allele frequency attached by ClinVar (database versions not stated): gnomAD exomes 0.00002; TOPMed 0.00003; gnomAD 0.00004.
gnomAD v4.1: 35 of 1,614,190 alleles (0.0022%); highest among the groups gnomAD compares: African/African-American, 0.017%; no homozygotes.

Submissions (2):

Labcorp Genetics (formerly Invitae), Labcorp
Classification: Likely benign for Rubinstein-Taybi syndrome. Last evaluated: 2024-10-17. Review status: criteria provided, single submitter. Criteria: Invitae Variant Classification Sherloc (09022015). Collection method: clinical testing. Allele origin: germline.

PreventionGenetics, part of Exact Sciences
Classification: Likely benign for CREBBP-related condition. Last evaluated: 2024-01-03. Review status: no assertion criteria provided. Collection method: clinical testing. Allele origin: germline. Not counted in ClinVar's aggregate classification.
Comment: This variant is classified as likely benign based on ACMG/AMP sequence variant interpretation guidelines (Richards et al. 2015 PMID: 25741868, with internal and published modifications).

NM_004380.3(CREBBP):c.5439C>T (p.Asn1813=)

Gene: CREBBP (CREB binding lysine acetyltransferase; minus strand). Cytogenetic location: 16p13.3.
Variant type: single nucleotide variant.
Coding change: c.5439C>T on transcript NM_004380.3 (MANE Select); coding-DNA position 5439, C replaced by T.
Protein change: p.Asn1813=; no amino-acid change (asparagine 1813 retained).
Molecular consequence: synonymous variant.
Genome position (GRCh38, 1-based): chr16:3,729,608, G>A on the plus strand (C>T on the coding strand, the complement: CREBBP is on the minus strand). VCF-style: chr16-3729608-G-A. GRCh37 (hg19) VCF-style: chr16-3779609-G-A.
Other names: c.5325C>T, p.Asn1775= (NM_001079846.1); c.5439C>T (NM_004380.2).
Identifiers: ClinVar variation 2415598 (VCV002415598.7), dbSNP rs372253007, ClinGen allele CA276972245.